The following is an entry in ClinVar:

ClinVar aggregate classification (germline): Uncertain significance (1 of 4 stars; one submission).

Conditions:
Cutis laxa, autosomal dominant 3 (ADCL3). Identifiers: Orphanet 90348, MedGen C4225268, MONDO:0014706, OMIM 616603.
Autosomal dominant spastic paraplegia type 9. Identifiers: MedGen C1832669, MONDO:0015091.
de Barsy syndrome. Also called: Cutis laxa-corneal clouding-oligophrenia syndrome. Identifiers: Orphanet 2962, MedGen C0268354, MONDO:0017569.

Allele frequency attached by ClinVar (database versions not stated): gnomAD exomes below 0.00001; gnomAD 0.00001.
gnomAD v4.1: 3 of 1,613,898 alleles (0.00019%); highest among the groups gnomAD compares: Admixed American, 0.0017%; no homozygotes.

Submission:

Labcorp Genetics (formerly Invitae), Labcorp
Classification: Uncertain significance for Autosomal dominant spastic paraplegia type 9; de Barsy syndrome; Cutis laxa, autosomal dominant 3. Last evaluated: 2023-12-02. Review status: criteria provided, single submitter. Criteria: Invitae Variant Classification Sherloc (09022015). Collection method: clinical testing. Allele origin: germline.
Comment: This sequence change replaces aspartic acid, which is acidic and polar, with asparagine, which is neutral and polar, at codon 394 of the ALDH18A1 protein (p.Asp394Asn). This variant is not present in population databases (gnomAD no frequency). This variant has not been reported in the literature in individuals affected with ALDH18A1-related conditions. Advanced modeling of protein sequence and biophysical properties (such as structural, functional, and spatial information, amino acid conservation, physicochemical variation, residue mobility, and thermodynamic stability) performed at Invitae indicates that this missense variant is not expected to disrupt ALDH18A1 protein function with a negative predictive value of 80%. In summary, the available evidence is currently insufficient to determine the role of this variant in disease. Therefore, it has been classified as a Variant of Uncertain Significance.

NM_002860.4(ALDH18A1):c.1180G>A (p.Asp394Asn)

Gene: ALDH18A1 (aldehyde dehydrogenase 18 family member A1; minus strand). Cytogenetic location: 10q24.1.
Variant type: single nucleotide variant.
Coding change: c.1180G>A on transcript NM_002860.4 (MANE Select); coding-DNA position 1180, G replaced by A.
Protein change: p.Asp394Asn; replaces aspartic acid 394 with asparagine.
Molecular consequence: missense variant.
Genome position (GRCh38, 1-based): chr10:95,625,428, C>T on the plus strand (G>A on the coding strand, the complement: ALDH18A1 is on the minus strand). VCF-style: chr10-95625428-C-T. GRCh37 (hg19) VCF-style: chr10-97385185-C-T.
Other names: c.1174G>A, p.Asp392Asn (NM_001017423.2, NM_001323415.2); c.847G>A, p.Asp283Asn (NM_001323412.2, NM_001323416.2); c.1180G>A, p.Asp394Asn (NM_001323413.2, NM_001323414.2); c.1075G>A, p.Asp359Asn (NM_001323417.2); c.841G>A, p.Asp281Asn (NM_001323418.2); c.544G>A, p.Asp182Asn (NM_001323419.2); short protein forms D281N, D392N, D182N, D359N, D283N, D394N.
Identifiers: ClinVar variation 2937025 (VCV002937025.3), dbSNP rs2097858963, ClinGen allele CA377702795.